The following is an entry in ClinVar:

NM_001042492.3(NF1):c.6299T>A (p.Leu2100His)

Gene: NF1 (neurofibromin 1; plus strand). Cytogenetic location: 17q11.2.
Variant type: single nucleotide variant.
Coding change: c.6299T>A on transcript NM_001042492.3 (MANE Select); coding-DNA position 6299, T replaced by A.
Protein change: p.Leu2100His; replaces leucine 2100 with histidine.
Molecular consequence: missense variant.
Genome position (GRCh38, 1-based): chr17:31,336,786, T>A. VCF-style: chr17-31336786-T-A. GRCh37 (hg19) VCF-style: chr17-29663804-T-A.
Other names: c.6236T>A, p.Leu2079His (NM_000267.4); short protein forms L2079H, L2100H.
Identifiers: ClinVar variation 2693151 (VCV002693151.3), dbSNP rs1555534708, ClinGen allele CA399012237.
Genomic context (GRCh38, chr17:31,336,786, plus strand): 5'-TTTTAGCACGCTACATGCTGATGCTGTCCTTCAACAATTCCCTTGATGTGGCAGCTCATC[T>A]TCCCTACCTCTTCCACGTTGTTACTTTCTTAGTAGCCACAGGTCCGCTCTCCCTTAGAGC-3'
Protein context (NP_001035957.1, residues 2090-2110): FNNSLDVAAH[Leu2100His]PYLFHVVTFL

ClinVar aggregate classification (germline): Uncertain significance (1 of 4 stars; one submission).

Conditions:
Neurofibromatosis, type 1 (NF1). Also called: Peripheral type neurofibromatosis; NEUROFIBROMATOSIS, TYPE I, SOMATIC; Neurofibromatosis, type I; VON RECKLINGHAUSEN DISEASE. Identifiers: Orphanet 636, MedGen C0027831, MONDO:0018975, OMIM 162200. Disease mechanism: loss of function.

Submission:

Labcorp Genetics (formerly Invitae), Labcorp
Classification: Uncertain significance for Neurofibromatosis, type 1. Last evaluated: 2023-11-04. Review status: criteria provided, single submitter. Criteria: Invitae Variant Classification Sherloc (09022015). Collection method: clinical testing. Allele origin: germline.
Comment: This sequence change replaces leucine, which is neutral and non-polar, with histidine, which is basic and polar, at codon 2079 of the NF1 protein (p.Leu2079His). This variant is not present in population databases (gnomAD no frequency). This variant has not been reported in the literature in individuals affected with NF1-related conditions. Advanced modeling of protein sequence and biophysical properties (such as structural, functional, and spatial information, amino acid conservation, physicochemical variation, residue mobility, and thermodynamic stability) performed at Invitae indicates that this missense variant is expected to disrupt NF1 protein function with a positive predictive value of 95%. In summary, the available evidence is currently insufficient to determine the role of this variant in disease. Therefore, it has been classified as a Variant of Uncertain Significance.